The following is an entry in ClinVar:

ClinVar aggregate classification (germline): Uncertain significance (1 of 4 stars; one submission).

Conditions:
LSR-related disorder.

Submission:

3billion
Classification: Uncertain significance for LSR-related disorder. Last evaluated: 2025-12-05. Review status: criteria provided, single submitter. Criteria: ACMG Guidelines, 2015. Collection method: clinical testing. Allele origin: germline. Affected: yes.
Comment: The variant is not observed in the gnomAD v4.1.0 dataset. Predicted Consequence/Location: Missense variant In silico tool predictions suggest no damaging effect of the variant on gene or gene product [REVEL: 0.23 (<0.4); 3Cnet: 0.04 (<0.1, specificity 0.84 and negative predicitive value 0.97)]. Different missense changes at the same codon have been reported as of uncertain significance (ClinVar ID: VCV002965560). Therefore, this variant is classified as VUS according to the recommendation of ACMG/AMP guideline.

NM_205834.4(LSR):c.479C>A (p.Thr160Lys)

Gene: LSR (lipolysis stimulated lipoprotein receptor; plus strand). Cytogenetic location: 19q13.12.
Variant type: single nucleotide variant.
Coding change: c.479C>A on transcript NM_205834.4 (MANE Select); coding-DNA position 479, C replaced by A.
Protein change: p.Thr160Lys; replaces threonine 160 with lysine.
Molecular consequence: missense variant. On other transcripts: intron variant (1).
Genome position (GRCh38, 1-based): chr19:35,258,969, C>A. VCF-style: chr19-35258969-C-A. GRCh37 (hg19) VCF-style: chr19-35749872-C-A.
Other names: c.479C>A, p.Thr160Lys (NM_001260489.2, NM_001385215.1, NM_015925.7 and 1 more transcripts); c.455-7390C>A (NM_001260490.2); short protein forms T160K.
Identifiers: ClinVar variation 4854671 (VCV004854671.1).